The following is an entry in ClinVar:

NM_001110556.2(FLNA):c.3527G>A (p.Gly1176Glu)

Gene: FLNA (filamin A; minus strand). Cytogenetic location: Xq28.
Variant type: single nucleotide variant.
Coding change: c.3527G>A on transcript NM_001110556.2 (MANE Select); coding-DNA position 3527, G replaced by A.
Protein change: p.Gly1176Glu; replaces glycine 1176 with glutamic acid.
Molecular consequence: missense variant.
Genome position (GRCh38, 1-based): chrX:154,360,268, C>T on the plus strand (G>A on the coding strand, the complement: FLNA is on the minus strand). VCF-style: chrX-154360268-C-T. GRCh37 (hg19) VCF-style: chrX-153588636-C-T.
Other names: c.3527G>A, p.Gly1176Glu (NM_001456.4); short protein forms G1176E.
Identifiers: ClinVar variation 1800627 (VCV001800627.1), dbSNP rs2522741040, ClinGen allele CA415224717.

ClinVar aggregate classification (germline): Likely pathogenic (1 of 4 stars; one submission).

Submission:

GeneDx
Classification: Likely pathogenic. Last evaluated: 2022-01-13. Review status: criteria provided, single submitter. Criteria: GeneDx Variant Classification Process June 2021. Collection method: clinical testing. Allele origin: germline. Affected: yes.
Comment: Not observed at significant frequency in large population cohorts (gnomAD); In silico analysis supports that this missense variant has a deleterious effect on protein structure/function; This variant is associated with the following publications: (PMID: 33834464)